The following is an entry in ClinVar:

NM_005732.4(RAD50):c.258dup (p.Arg87fs)

Gene: RAD50 (RAD50 double strand break repair protein; plus strand). Cytogenetic location: 5q31.1.
Variant type: Duplication.
Coding change: c.258dup on transcript NM_005732.4 (MANE Select); coding-DNA position 258, one base duplicated (T; older notation c.258dupT).
Protein change: p.Arg87fs; shifts the reading frame from arginine 87.
Molecular consequence: frameshift variant.
Genome position (GRCh38, 1-based): chr5:132,575,821, T duplicated; the last of 3 consecutive T bases (chr5:132,575,819-132,575,821); duplicating any one gives the same sequence. VCF-style (leftmost placement, unchanged base first): chr5-132575818-A-AT. GRCh37 (hg19) VCF-style: chr5-131911510-A-AT.
Other names: short protein forms R87fs.
Identifiers: ClinVar variation 2749191 (VCV002749191.3), dbSNP rs2479608059, ClinGen allele CA2697546189.

ClinVar aggregate classification (germline): Pathogenic (1 of 4 stars; one submission).

Conditions:
Hereditary cancer-predisposing syndrome. Also called: Hereditary Cancer Syndrome; Neoplastic Syndromes, Hereditary; Tumor predisposition; Hereditary neoplastic syndrome. Identifiers: Orphanet 140162, MedGen C0027672, MeSH D009386, MONDO:0015356.

Submission:

Labcorp Genetics (formerly Invitae), Labcorp
Classification: Pathogenic for Hereditary cancer-predisposing syndrome. Last evaluated: 2023-08-02. Review status: criteria provided, single submitter. Criteria: Invitae Variant Classification Sherloc (09022015). Collection method: clinical testing. Allele origin: germline.
Comment: This sequence change creates a premature translational stop signal (p.Arg87Serfs*2) in the RAD50 gene. It is expected to result in an absent or disrupted protein product. Loss-of-function variants in RAD50 are known to be pathogenic (PMID: 19409520). This variant is not present in population databases (gnomAD no frequency). This variant has not been reported in the literature in individuals affected with RAD50-related conditions. For these reasons, this variant has been classified as Pathogenic.

Literature cited by the submitters: PubMed 19409520.